The following is an entry in ClinVar:

NM_005337.5(NCKAP1L):c.3088A>G (p.Ile1030Val)

Gene: NCKAP1L (NCK associated protein 1 like; plus strand). Cytogenetic location: 12q13.2.
Variant type: single nucleotide variant.
Coding change: c.3088A>G on transcript NM_005337.5 (MANE Select); coding-DNA position 3088, A replaced by G.
Protein change: p.Ile1030Val; replaces isoleucine 1030 with valine.
Molecular consequence: missense variant.
Genome position (GRCh38, 1-based): chr12:54,536,958, A>G. VCF-style: chr12-54536958-A-G. GRCh37 (hg19) VCF-style: chr12-54930742-A-G.
Other names: c.2938A>G, p.Ile980Val (NM_001184976.2); short protein forms I980V, I1030V.
Identifiers: ClinVar variation 4754452 (VCV004754452.1).

ClinVar aggregate classification (germline): Uncertain significance (1 of 4 stars; one submission).

Submission:

Labcorp Genetics (formerly Invitae), Labcorp
Classification: Uncertain significance. Last evaluated: 2026-01-12. Review status: criteria provided, single submitter. Criteria: Invitae Variant Classification Sherloc (09022015). Collection method: clinical testing. Allele origin: germline.
Comment: This sequence change replaces isoleucine, which is neutral and non-polar, with valine, which is neutral and non-polar, at codon 1030 of the NCKAP1L protein (p.Ile1030Val). This variant is present in population databases (no rsID available, gnomAD 0.03%). This variant has not been reported in the literature in individuals affected with NCKAP1L-related conditions. An algorithm developed to predict the effect of missense changes on protein structure and function outputs the following: PolyPhen-2: "Benign". The valine amino acid residue is found in multiple mammalian species, which suggests that this missense change does not adversely affect protein function. In summary, the available evidence is currently insufficient to determine the role of this variant in disease. Therefore, it has been classified as a Variant of Uncertain Significance.